The following is an entry in ClinVar:

NM_020693.4(DSCAML1):c.2672dup (p.Glu892fs)

Gene: DSCAML1 (DS cell adhesion molecule like 1; minus strand). Cytogenetic location: 11q23.3.
Variant type: Duplication.
Coding change: c.2672dup on transcript NM_020693.4 (MANE Select); coding-DNA position 2672, one base duplicated (C; older notation c.2672dupC).
Protein change: p.Glu892fs; shifts the reading frame from glutamic acid 892.
Molecular consequence: frameshift variant.
Genome position (GRCh38, 1-based): chr11:117,480,556, G duplicated on the plus strand (C on the coding strand, the reverse complement: DSCAML1 is on the minus strand); the first of 6 consecutive G bases (chr11:117,480,556-117,480,561); duplicating any one gives the same sequence. VCF-style (leftmost placement, unchanged base first): chr11-117480555-T-TG. GRCh37 (hg19) VCF-style: chr11-117351270-T-TG.
Other names: c.2672dup, p.Glu892fs (NM_001367904.1); short protein forms E892fs.
Identifiers: ClinVar variation 2961743 (VCV002961743.3), dbSNP rs777292376, ClinGen allele CA2616155457.
Genomic context (GRCh38, chr11:117,480,555, plus strand): 5'-GAATCGCTGGGTCCAGCGCAGGTTCATGCTCCGGGCCTTCACCTCCCGGATCTCCAGCTC[T>TG]GGGGGGTCGGGGGGCTCTAGGGTGCGGCAGTGGAGGGGAGGGAAGTGAGGAGGGCAGCAG-3'

ClinVar aggregate classification (germline): Uncertain significance (1 of 4 stars; one submission).

Submission:

Labcorp Genetics (formerly Invitae), Labcorp
Classification: Uncertain significance. Last evaluated: 2025-09-02. Review status: criteria provided, single submitter. Criteria: Invitae Variant Classification Sherloc (09022015). Collection method: clinical testing. Allele origin: germline.
Comment: This sequence change creates a premature translational stop signal (p.Glu952Argfs*32) in the DSCAML1 gene. It is expected to result in an absent or disrupted protein product. However, the current clinical and genetic evidence is not sufficient to establish whether loss-of-function variants in DSCAML1 cause disease. This variant is not present in population databases (gnomAD no frequency). This variant has not been reported in the literature in individuals affected with DSCAML1-related conditions. ClinVar contains an entry for this variant (Variation ID: 2961743). In summary, the available evidence is currently insufficient to determine the role of this variant in disease. Therefore, it has been classified as a Variant of Uncertain Significance.